The following is an entry in ClinVar:

NM_000426.4(LAMA2):c.8228C>T (p.Thr2743Ile)

Gene: LAMA2 (laminin subunit alpha 2; plus strand). Cytogenetic location: 6q22.33.
Variant type: single nucleotide variant.
Coding change: c.8228C>T on transcript NM_000426.4 (MANE Select); coding-DNA position 8228, C replaced by T.
Protein change: p.Thr2743Ile; replaces threonine 2743 with isoleucine.
Molecular consequence: missense variant.
Genome position (GRCh38, 1-based): chr6:129,492,467, C>T. VCF-style: chr6-129492467-C-T. GRCh37 (hg19) VCF-style: chr6-129813612-C-T.
Other names: c.8216C>T, p.Thr2739Ile (NM_001079823.2); short protein forms T2743I, T2739I.
Identifiers: ClinVar variation 1385101 (VCV001385101.6), dbSNP rs755412882, ClinGen allele CA3994764.

ClinVar aggregate classification (germline): Uncertain significance (1 of 4 stars; one submission).

Conditions:
LAMA2-related muscular dystrophy (LAMA2-RD). Also called: Laminin alpha 2-related dystrophy. Identifiers: MedGen C5679788, MONDO:0100228.

Allele frequency attached by ClinVar (database versions not stated): gnomAD exomes below 0.00001; ExAC 0.00001.
gnomAD v4.1: 1 of 1,613,800 alleles (0.000062%); highest among the groups gnomAD compares: South Asian, 0.0011%; no homozygotes.

Submission:

Labcorp Genetics (formerly Invitae), Labcorp
Classification: Uncertain significance for LAMA2-related muscular dystrophy. Last evaluated: 2022-03-18. Review status: criteria provided, single submitter. Criteria: Invitae Variant Classification Sherloc (09022015). Collection method: clinical testing. Allele origin: germline.
Comment: This variant has not been reported in the literature in individuals affected with LAMA2-related conditions. Advanced modeling of protein sequence and biophysical properties (such as structural, functional, and spatial information, amino acid conservation, physicochemical variation, residue mobility, and thermodynamic stability) performed at Invitae indicates that this missense variant is not expected to disrupt LAMA2 protein function. In summary, the available evidence is currently insufficient to determine the role of this variant in disease. Therefore, it has been classified as a Variant of Uncertain Significance. This variant is present in population databases (rs755412882, gnomAD 0.0009%). This sequence change replaces threonine, which is neutral and polar, with isoleucine, which is neutral and non-polar, at codon 2743 of the LAMA2 protein (p.Thr2743Ile).